The following is an entry in ClinVar:

NM_173500.4(TTBK2):c.2592A>G (p.Glu864=)

Gene: TTBK2 (tau tubulin kinase 2; minus strand). Cytogenetic location: 15q15.2.
Variant type: single nucleotide variant.
Coding change: c.2592A>G on transcript NM_173500.4 (MANE Select); coding-DNA position 2592, A replaced by G.
Protein change: p.Glu864=; no amino-acid change (glutamic acid 864 retained).
Molecular consequence: synonymous variant.
Genome position (GRCh38, 1-based): chr15:42,752,654, T>C on the plus strand (A>G on the coding strand, the complement: TTBK2 is on the minus strand). VCF-style: chr15-42752654-T-C. GRCh37 (hg19) VCF-style: chr15-43044852-T-C.
Other names: p.Glu864=.
Identifiers: ClinVar variation 130647 (VCV000130647.49), dbSNP rs56307230, ClinGen allele CA155838.

ClinVar aggregate classification (germline): Benign. Review status: criteria provided, multiple submitters, no conflicts (2 of 4 stars). 7 submissions from 7 submitters: Benign (6). 1 of the submissions does not count toward it. Last evaluated 2026-08-01.

Conditions:
Spinocerebellar ataxia type 11 (SCA11). Identifiers: Orphanet 98767, MedGen C1858351, MONDO:0011464, OMIM 604432.

Allele frequency attached by ClinVar (database versions not stated): 1000 Genomes Project 30x 0.00359; 1000 Genomes Project 0.00399; TOPMed 0.00908; ExAC 0.00946; gnomAD 0.00959 and 0.01001; gnomAD exomes 0.00981 and 0.01204; ESP Exome Variant Server 0.01224.
gnomAD v4.1: 19,018 of 1,614,120 alleles (1.2%); highest among the groups gnomAD compares: Non-Finnish European, 1.4%; 158 homozygotes.

Submissions (7):

CeGaT Center for Human Genetics Tuebingen
Classification: Benign. Last evaluated: 2026-08-01. Review status: criteria provided, single submitter. Criteria: CeGaT Center For Human Genetics Tuebingen Variant Classification Criteria Version 2. Collection method: clinical testing. Allele origin: germline. Affected: yes. Observed: 42 variant alleles.
Comment: TTBK2: BP4, BP7, BS1, BS2

Labcorp Genetics (formerly Invitae), Labcorp
Classification: Benign. Last evaluated: 2026-01-26. Review status: criteria provided, single submitter. Criteria: Invitae Variant Classification Sherloc (09022015). Collection method: clinical testing. Allele origin: germline.

Athena Diagnostics
Classification: Benign. Last evaluated: 2023-12-14. Review status: criteria provided, single submitter. Criteria: Athena Diagnostics Criteria. Collection method: clinical testing. Allele origin: unknown.

Mayo Clinic Laboratories, Mayo Clinic
Classification: Benign. Last evaluated: 2023-03-21. Review status: criteria provided, single submitter. Criteria: ACMG Guidelines, 2015. Collection method: clinical testing. Allele origin: germline. Observed: 17 variant alleles.
Comment: BS1, BS2, BP4, BP7

Illumina Laboratory Services, Illumina
Classification: Benign for Spinocerebellar ataxia type 11. Last evaluated: 2018-01-13. Review status: criteria provided, single submitter. Criteria: ICSL Variant Classification Criteria 13 December 2019. Collection method: clinical testing. Allele origin: germline.
Comment: This variant was observed in the ICSL laboratory as part of a predisposition screen in an ostensibly healthy population. It had not been previously curated by ICSL or reported in the Human Gene Mutation Database (HGMD: prior to June 1st, 2018), and was therefore a candidate for classification through an automated scoring system. Utilizing variant allele frequency, disease prevalence and penetrance estimates, and inheritance mode, an automated score was calculated to assess if this variant is too frequent to cause the disease. Based on the score and internal cut-off values, a variant classified as benign is not then subjected to further curation. The score for this variant resulted in a classification of benign for this disease.

Breakthrough Genomics
Classification: Benign. Review status: criteria provided, single submitter. Criteria: ACMG Guidelines, 2015. Collection method: not provided. Allele origin: germline. Inheritance: Autosomal dominant inheritance. Affected: yes.

Genetic Services Laboratory, University of Chicago
Classification: Likely benign for AllHighlyPenetrant. Review status: no assertion criteria provided. Collection method: clinical testing. Allele origin: germline. Inheritance: Autosomal dominant inheritance. Not counted in ClinVar's aggregate classification.
Comment: Likely benign based on allele frequency in 1000 Genomes Project or ESP global frequency and its presence in a patient with a rare or unrelated disease phenotype. NOT Sanger confirmed.

Literature cited by the submitters: PubMed 20667868 (cited by Athena Diagnostics); PubMed 19533200 (cited by Athena Diagnostics).